The following is an entry in ClinVar:

ClinVar aggregate classification (germline): Pathogenic (1 of 4 stars; one submission).

Conditions:
Retinoblastoma (RB1). Also called: RETINOBLASTOMA, SOMATIC. Identifiers: Orphanet 790, MedGen C0035335, MeSH D012175, MONDO:0008380, OMIM 180200, HP:0009919. Disease mechanism: loss of function. Inheritance: Both sporadic and heritable forms are tested..

Submission:

Labcorp Genetics (formerly Invitae), Labcorp
Classification: Pathogenic for Retinoblastoma. Last evaluated: 2024-05-05. Review status: criteria provided, single submitter. Criteria: Invitae Variant Classification Sherloc (09022015). Collection method: clinical testing. Allele origin: germline.
Comment: This sequence change inserts a large fragment of DNA, likely a transposable element, in exon 17 of the RB1 gene (c.1605_1606ins?), causing a frameshift at codon 536 (p.Ile536fs). The exact size and sequence of the insertion cannot be determined by the current assay. However, the insertion is expected to result in an absent or disrupted protein product. This variant is not present in population databases (gnomAD no frequency). A similar variant has been observed in individual(s) with bilateral retinoblastoma (Invitae). Retrotransposon insertions including LINE1 (L1), Alu, and SVA (SINE-VNTR-Alu) have been reported to be disease-causing through disruption of either a coding region or splice site (PMID: 19763152, 20307669, 22406018) and loss-of-function variants in RB1 are known to be pathogenic (PMID: 17096365). For these reasons, this variant has been classified as Pathogenic.

Literature cited by the submitters: PubMed 19763152; PubMed 20307669; PubMed 22406018; PubMed 17096365.

NM_000321.3(RB1):c.1605_1606insTTTTTTTTTTTTTTTTTTTTNNNNNNNNNNATTTCATCTTCCATTGCTGATACCCTTTCTTCCAGTTGATCGCATCGGCTCCTGAGGCTTCTGCATTCTTCACGATCGAAAGTTTT (p.Ile536delinsPhePhePhePhePhePheXaaXaaXaaXaaIleSerSerSerIleAlaAspThrLeuSerSerSerTer)

Gene: RB1 (RB transcriptional corepressor 1; plus strand). Cytogenetic location: 13q14.2.
Variant type: Insertion.
Coding change: c.1605_1606insTTTTTTTTTTTTTTTTTTTTNNNNNNNNNNATTTCATCTTCCATTGCTGATACCCTTTCTTCCAGTTGATCGCATCGGCTCCTGAGGCTTCTGCATTCTTCACGATCGAAAGTTTT on transcript NM_000321.3 (MANE Select); coding-DNA positions 1605 to 1606, TTTTTTTTTTTTTTTTTTTTNNNNNNNNNNATTTCATCTTCCATTGCTGATACCCTTTCTTCCAGTTGATCGCATCGGCTCCTGAGGCTTCTGCATTCTTCACGATCGAAAGTTTT inserted.
Protein change: p.Ile536delinsPhePhePhePhePhePheXaaXaaXaaXaaIleSerSerSerIleAlaAspThrLeuSerSerSerTer.
Molecular consequence: nonsense.
Genome position: GRCh38: chr13:48,381,353-48,381,354. GRCh37 (hg19): chr13:48,955,489-48,955,490.
Other names: c.1605_1606insTTTTTTTTTTTTTTTTTTTTNNNNNNNNNNATTTCATCTTCCATTGCTGATACCCTTTCTTCCAGTTGATCGCATCGGCTCCTGAGGCTTCTGCATTCTTCACGATCGAAAGTTTT, p.Ile536delinsPhePhePhePhePhePheXaaXaaXaaXaaIleSerSerSerIleAlaAspThrLeuSerSerSerTer (NM_001407165.1, NM_001407166.1).
Identifiers: ClinVar variation 3652201 (VCV003652201.2).